The following is an entry in ClinVar:

NM_001384900.1(SEMA3D):c.2101A>C (p.Lys701Gln)

Genes: SEMA3D (semaphorin 3D; minus strand), LOC126860094 (BRD4-independent group 4 enhancer GRCh37_chr7:84628763-84629962; plus strand). Cytogenetic location: 7q21.11.
Variant type: single nucleotide variant.
Coding change: c.2101A>C on transcript NM_001384900.1 (MANE Select); coding-DNA position 2101, A replaced by C.
Protein change: p.Lys701Gln; replaces lysine 701 with glutamine.
Molecular consequence: missense variant.
Genome position (GRCh38, 1-based): chr7:84,999,673, T>G on the plus strand (A>C on the coding strand, the complement: SEMA3D is on the minus strand). VCF-style: chr7-84999673-T-G. GRCh37 (hg19) VCF-style: chr7-84628989-T-G.
Other names: c.2101A>C, p.Lys701Gln (NM_001384901.1, NM_001384902.1, NM_001384903.1 and 1 more transcripts); short protein forms K701Q.
Identifiers: ClinVar variation 3060976 (VCV003060976.2), dbSNP rs7800072, ClinGen allele CA4323209.

ClinVar aggregate classification (germline): Benign (0 of 4 stars; one submission).

Conditions:
SEMA3D-related disorder. Also called: SEMA3D-related condition.

Allele frequency attached by ClinVar (database versions not stated): 1000 Genomes Project 0.28554; ExAC 0.28738; 1000 Genomes Project 30x 0.29247; gnomAD exomes 0.31306; gnomAD 0.32067; TOPMed 0.32352; ESP Exome Variant Server 0.34261.
gnomAD v4.1: 505,916 of 1,613,526 alleles (31%); highest among the groups gnomAD compares: African/African-American, 37%; 81,188 homozygotes.

Submission:

PreventionGenetics, part of Exact Sciences
Classification: Benign for SEMA3D-related condition. Last evaluated: 2022-07-19. Review status: no assertion criteria provided. Collection method: clinical testing. Allele origin: germline.
Comment: This variant is classified as benign based on ACMG/AMP sequence variant interpretation guidelines (Richards et al. 2015 PMID: 25741868, with internal and published modifications).